The following is an entry in ClinVar:

NM_001379110.1(SLC9A6):c.1029A>C (p.Ala343=)

Gene: SLC9A6 (solute carrier family 9 member A6; plus strand). Cytogenetic location: Xq26.3.
Variant type: single nucleotide variant.
Coding change: c.1029A>C on transcript NM_001379110.1 (MANE Select); coding-DNA position 1029, A replaced by C.
Protein change: p.Ala343=; no amino-acid change (alanine 343 retained).
Molecular consequence: synonymous variant.
Genome position (GRCh38, 1-based): chrX:136,013,386, A>C. VCF-style: chrX-136013386-A-C. GRCh37 (hg19) VCF-style: chrX-135095545-A-C.
Other names: p.A363A:GCA>GCC; p.Ala363=; c.1185A>C, p.Ala395= (NM_001042537.2); c.1029A>C, p.Ala343= (NM_001177651.2); c.933A>C, p.Ala311= (NM_001330652.2); c.1089A>C, p.Ala363= (NM_006359.3).
Identifiers: ClinVar variation 139203 (VCV000139203.28), dbSNP rs142049079, ClinGen allele CA295164.

ClinVar aggregate classification (germline): Benign/Likely benign. Review status: criteria provided, multiple submitters, no conflicts (2 of 4 stars). 10 submissions from 10 submitters: Benign (9); Likely benign (1). Last evaluated 2026-02-03.

Conditions:
Inborn genetic diseases. Identifiers: MedGen C0950123, MeSH D030342.
Christianson syndrome (MRXSCH). Also called: SLC9A6-Related Syndromic Mental Retardation; INTELLECTUAL DEVELOPMENTAL DISORDER, X-LINKED, SYNDROMIC, CHRISTIANSON TYPE; X-linked mental retardation, syndromic, Christianson type. Identifiers: Orphanet 85278, MedGen C2678194, MONDO:0010278, OMIM 300243.

Allele frequency attached by ClinVar (database versions not stated): 1000 Genomes Project 30x 0.00146; 1000 Genomes Project 0.00159; TOPMed 0.00351; gnomAD 0.00390 and 0.00409; ExAC 0.00457; gnomAD exomes 0.00463 and 0.00515; ESP Exome Variant Server 0.00483.
gnomAD v4.1: 6,095 of 1,206,366 alleles (0.51%); highest among the groups gnomAD compares: Middle Eastern, 1.5%; 22 homozygotes.

Submissions (10):

Labcorp Genetics (formerly Invitae), Labcorp
Classification: Benign for Christianson syndrome. Last evaluated: 2026-02-03. Review status: criteria provided, single submitter. Criteria: Invitae Variant Classification Sherloc (09022015). Collection method: clinical testing. Allele origin: germline.

Blueprint Genetics
Classification: Likely benign. Last evaluated: 2024-11-27. Review status: criteria provided, single submitter. Criteria: ACMG Guidelines, 2015. Collection method: clinical testing. Allele origin: germline.

Mayo Clinic Laboratories, Mayo Clinic
Classification: Benign. Last evaluated: 2024-04-05. Review status: criteria provided, single submitter. Criteria: ACMG Guidelines, 2015. Collection method: clinical testing. Allele origin: germline. Observed: 7 variant alleles.
Comment: BS1, BS2, BP4, BP7

Fulgent Genetics
Classification: Benign for Christianson syndrome. Last evaluated: 2021-08-03. Review status: criteria provided, single submitter. Criteria: ACMG Guidelines, 2015. Collection method: clinical testing. Allele origin: unknown.

Athena Diagnostics
Classification: Benign. Last evaluated: 2016-09-30. Review status: criteria provided, single submitter. Criteria: Athena Diagnostics Criteria. Collection method: clinical testing. Allele origin: germline.

Ambry Genetics
Classification: Benign for Inborn genetic diseases. Last evaluated: 2016-01-25. Review status: criteria provided, single submitter. Criteria: Ambry Variant Classification Scheme 2023. Collection method: clinical testing. Allele origin: germline.

Genetic Services Laboratory, University of Chicago
Classification: Benign. Last evaluated: 2015-10-15. Review status: criteria provided, single submitter. Criteria: ACMG Guidelines, 2015. Collection method: clinical testing. Allele origin: germline. Affected: no.

Eurofins Ntd Llc (ga)
Classification: Benign. Last evaluated: 2015-08-12. Review status: criteria provided, single submitter. Criteria: EGL Classification Definitions 2015. Collection method: clinical testing. Allele origin: germline. Observed: 1 variant allele, 1 heterozygote.

GeneDx
Classification: Benign. Last evaluated: 2012-11-14. Review status: criteria provided, single submitter. Criteria: GeneDx Variant Classification (06012015). Collection method: clinical testing. Allele origin: germline. Affected: yes.
Comment: This variant is considered likely benign or benign based on one or more of the following criteria: it is a conservative change, it occurs at a poorly conserved position in the protein, it is predicted to be benign by multiple in silico algorithms, and/or has population frequency not consistent with disease.

Breakthrough Genomics
Classification: Benign. Review status: criteria provided, single submitter. Criteria: ACMG Guidelines, 2015. Collection method: not provided. Allele origin: germline. Inheritance: X-linked inheritance. Affected: yes.